The following is an entry in ClinVar:

ClinVar aggregate classification (germline): Uncertain significance (1 of 4 stars; one submission).

Submission:

Labcorp Genetics (formerly Invitae), Labcorp
Classification: Uncertain significance. Last evaluated: 2025-12-18. Review status: criteria provided, single submitter. Criteria: Invitae Variant Classification Sherloc (09022015). Collection method: clinical testing. Allele origin: germline.
Comment: This sequence change replaces serine, which is neutral and polar, with arginine, which is basic and polar, at codon 436 of the RNF31 protein (p.Ser436Arg). This variant is present in population databases (no rsID available, gnomAD 0.007%). This variant has not been reported in the literature in individuals affected with RNF31-related conditions. An algorithm developed to predict the effect of missense changes on protein structure and function outputs the following: PolyPhen-2: "Benign". The arginine amino acid residue is found in multiple mammalian species, which suggests that this missense change does not adversely affect protein function. In summary, the available evidence is currently insufficient to determine the role of this variant in disease. Therefore, it has been classified as a Variant of Uncertain Significance.

NM_017999.5(RNF31):c.1306A>C (p.Ser436Arg)

Gene: RNF31 (ring finger protein 31; plus strand). Cytogenetic location: 14q12.
Variant type: single nucleotide variant.
Coding change: c.1306A>C on transcript NM_017999.5 (MANE Select); coding-DNA position 1306, A replaced by C.
Protein change: p.Ser436Arg; replaces serine 436 with arginine.
Molecular consequence: missense variant.
Genome position (GRCh38, 1-based): chr14:24,150,706, A>C. VCF-style: chr14-24150706-A-C. GRCh37 (hg19) VCF-style: chr14-24619915-A-C.
Other names: c.853A>C, p.Ser285Arg (NM_001310332.2); short protein forms S436R, S285R.
Identifiers: ClinVar variation 4700341 (VCV004700341.1).